The following is an entry in ClinVar:

NM_031924.8(RSPH3):c.955C>T (p.Arg319Cys)

Gene: RSPH3 (radial spoke head 3; minus strand). Cytogenetic location: 6q25.3.
Variant type: single nucleotide variant.
Coding change: c.955C>T on transcript NM_031924.8 (MANE Select); coding-DNA position 955, C replaced by T.
Protein change: p.Arg319Cys; replaces arginine 319 with cysteine.
Molecular consequence: missense variant. On other transcripts: non-coding transcript variant (1).
Genome position (GRCh38, 1-based): chr6:158,977,840, G>A on the plus strand (C>T on the coding strand, the complement: RSPH3 is on the minus strand). VCF-style: chr6-158977840-G-A. GRCh37 (hg19) VCF-style: chr6-159398872-G-A.
Other names: c.1093C>T, p.Arg365Cys (NM_001346418.1); c.1381C>T (NM_031924.4); short protein forms R319C, R365C.
Identifiers: ClinVar variation 1044430 (VCV001044430.6), dbSNP rs760768253, ClinGen allele CA4075753.

ClinVar aggregate classification (germline): Uncertain significance. Review status: criteria provided, multiple submitters, no conflicts (2 of 4 stars). 2 submissions from 2 submitters: Uncertain significance (2). Last evaluated 2025-10-06.

Conditions:
Primary ciliary dyskinesia 32. Also called: CILIARY DYSKINESIA, PRIMARY, 32, WITHOUT SITUS INVERSUS. Identifiers: Orphanet 244, MedGen C4225311, MONDO:0014657, OMIM 616481.
Inborn genetic diseases. Identifiers: MedGen C0950123, MeSH D030342.

Allele frequency attached by ClinVar (database versions not stated): gnomAD exomes 0.00016 and 0.00005; TOPMed 0.00004; ExAC 0.00003; gnomAD 0.00003.
gnomAD v4.1: 221 of 1,604,096 alleles (0.014%); highest among the groups gnomAD compares: Non-Finnish European, 0.019%; no homozygotes.

Submissions (2):

Ambry Genetics
Classification: Uncertain significance for Inborn genetic diseases. Last evaluated: 2025-10-06. Review status: criteria provided, single submitter. Criteria: Ambry Variant Classification Scheme 2023. Collection method: clinical testing. Allele origin: germline.

Labcorp Genetics (formerly Invitae), Labcorp
Classification: Uncertain significance for Primary ciliary dyskinesia 32. Last evaluated: 2022-04-29. Review status: criteria provided, single submitter. Criteria: Invitae Variant Classification Sherloc (09022015). Collection method: clinical testing. Allele origin: germline.
Comment: This sequence change replaces arginine, which is basic and polar, with cysteine, which is neutral and slightly polar, at codon 461 of the RSPH3 protein (p.Arg461Cys). This variant is present in population databases (rs760768253, gnomAD 0.01%). This variant has not been reported in the literature in individuals affected with RSPH3-related conditions. ClinVar contains an entry for this variant (Variation ID: 1044430). Algorithms developed to predict the effect of missense changes on protein structure and function are either unavailable or do not agree on the potential impact of this missense change (SIFT: "Deleterious"; PolyPhen-2: "Benign"; Align-GVGD: "Class C0"). In summary, the available evidence is currently insufficient to determine the role of this variant in disease. Therefore, it has been classified as a Variant of Uncertain Significance.